The following is an entry in ClinVar:

ClinVar aggregate classification (germline): Conflicting classifications of pathogenicity. Review status: criteria provided, conflicting classifications (1 of 4 stars). 2 submissions from 2 submitters: Uncertain significance (1); Likely benign (1). Last evaluated 2024-08-20.

Conditions:
Inborn genetic diseases. Identifiers: MedGen C0950123, MeSH D030342.

Allele frequency attached by ClinVar (database versions not stated): ExAC 0.00001; gnomAD 0.00001.
gnomAD v4.1: 7 of 1,611,948 alleles (0.00043%); highest among the groups gnomAD compares: East Asian, 0.0022%; no homozygotes.

Submissions (2):

Labcorp Genetics (formerly Invitae), Labcorp
Classification: Uncertain significance. Last evaluated: 2024-08-20. Review status: criteria provided, single submitter. Criteria: Invitae Variant Classification Sherloc (09022015). Collection method: clinical testing. Allele origin: germline.
Comment: This sequence change replaces serine, which is neutral and polar, with proline, which is neutral and non-polar, at codon 1058 of the ADNP protein (p.Ser1058Pro). This variant is present in population databases (rs755727938, gnomAD 0.03%). This variant has not been reported in the literature in individuals affected with ADNP-related conditions. ClinVar contains an entry for this variant (Variation ID: 2311644). An algorithm developed to predict the effect of missense changes on protein structure and function outputs the following: PolyPhen-2: "Benign". The proline amino acid residue is found in multiple mammalian species, which suggests that this missense change does not adversely affect protein function. In summary, the available evidence is currently insufficient to determine the role of this variant in disease. Therefore, it has been classified as a Variant of Uncertain Significance.

Ambry Genetics
Classification: Likely benign for Inborn genetic diseases. Last evaluated: 2022-09-14. Review status: criteria provided, single submitter. Criteria: Ambry Variant Classification Scheme 2023. Collection method: clinical testing. Allele origin: germline.

NM_001282531.3(ADNP):c.3172T>C (p.Ser1058Pro)

Gene: ADNP (activity dependent neuroprotector homeobox; minus strand). Cytogenetic location: 20q13.13.
Variant type: single nucleotide variant.
Coding change: c.3172T>C on transcript NM_001282531.3 (MANE Select); coding-DNA position 3172, T replaced by C.
Protein change: p.Ser1058Pro; replaces serine 1058 with proline.
Molecular consequence: missense variant.
Genome position (GRCh38, 1-based): chr20:50,891,542, A>G on the plus strand (T>C on the coding strand, the complement: ADNP is on the minus strand). VCF-style: chr20-50891542-A-G. GRCh37 (hg19) VCF-style: chr20-49508079-A-G.
Other names: c.3172T>C, p.Ser1058Pro (NM_001282532.2, NM_001347511.2, NM_015339.5 and 1 more transcripts); short protein forms S1058P.
Identifiers: ClinVar variation 2311644 (VCV002311644.5), dbSNP rs755727938, ClinGen allele CA9908436.